The following is an entry in ClinVar:

NM_006231.4(POLE):c.2970dup (p.Glu991Ter)

Gene: POLE (DNA polymerase epsilon, catalytic subunit; minus strand). Cytogenetic location: 12q24.33.
Variant type: Duplication.
Coding change: c.2970dup on transcript NM_006231.4 (MANE Select); coding-DNA position 2970, one base duplicated (T; older notation c.2970dupT).
Protein change: p.Glu991Ter; replaces glutamic acid 991 with a stop codon.
Molecular consequence: nonsense.
Genome position (GRCh38, 1-based): chr12:132,661,059, A duplicated on the plus strand (T on the coding strand, the reverse complement: POLE is on the minus strand); the first of 3 consecutive A bases (chr12:132,661,059-132,661,061); duplicating any one gives the same sequence. VCF-style (leftmost placement, unchanged base first): chr12-132661058-C-CA. GRCh37 (hg19) VCF-style: chr12-133237644-C-CA.
Other names: short protein forms E991*.
Identifiers: ClinVar variation 4862230 (VCV004862230.1).

ClinVar aggregate classification (germline): Uncertain significance (1 of 4 stars; one submission).

Conditions:
Hereditary cancer-predisposing syndrome. Also called: Neoplastic Syndromes, Hereditary; Tumor predisposition; Hereditary Cancer Syndrome; Hereditary neoplastic syndrome. Identifiers: Orphanet 140162, MedGen C0027672, MeSH D009386, MONDO:0015356.

Submission:

Ambry Genetics
Classification: Uncertain significance for Hereditary cancer-predisposing syndrome. Last evaluated: 2026-05-20. Review status: criteria provided, single submitter. Criteria: Ambry Variant Classification Scheme 2023. Collection method: clinical testing. Allele origin: germline.
Comment: The c.2970dupT variant, located in coding exon 25 of the POLE gene, results from a duplication of T at nucleotide position 2970, causing a translational frameshift with a predicted alternate stop codon (p.E991*). This alteration is expected to result in loss of function by premature protein truncation or nonsense-mediated mRNA decay. Although biallelic loss of function of POLE has been associated with autosomal recessive POLE deficiency, haploinsufficiency of POLE has not been established as a mechanism of disease for POLE-related polymerase proofreading-associated polyposis (PPAP) and POLE-related CMMRD-like syndrome. Based on the supporting evidence, this variant is expected to be causative of POLE deficiency when present along with a second pathogenic variant on the other allele; however, its clinical significance for PPAP and POLE-related CMMRD-like syndrome is unclear.